The following is an entry in ClinVar:

ClinVar aggregate classification (germline): Uncertain significance. Review status: criteria provided, multiple submitters, no conflicts (2 of 4 stars). 2 submissions from 2 submitters: Uncertain significance (2). Last evaluated 2024-04-26.

Conditions:
Hereditary leiomyomatosis and renal cell cancer. Also called: Familial leiomyomatosis; MULTIPLE CUTANEOUS AND UTERINE LEIOMYOMATA 1, WITH OR WITHOUT RENAL CELL CARCINOMA; Multiple cutaneous leiomyomas; Reed syndrome; Multiple cutaneous and uterine leiomyomatosis; Cutaneous leiomyomata with uterine leiomyomata. Identifiers: Orphanet 523, MedGen C1708350, MONDO:0007888, OMIM 150800, HP:0007437. Disease mechanism: loss of function.

Submissions (2):

St. Jude Molecular Pathology, St. Jude Children's Research Hospital
Classification: Uncertain significance for Hereditary leiomyomatosis and renal cell cancer. Last evaluated: 2024-04-26. Review status: criteria provided, single submitter. Criteria: St. Jude Assertion Criteria 2020. Collection method: clinical testing. Allele origin: germline.
Comment: The FH c.1468G>C (p.Gly490Arg) missense change is absent in gnomAD v2.1.1. The in silico tool REVEL predicts a deleterious effect on protein function, but to our knowledge this prediction has not been confirmed by functional studies. To our knowledge, this variant has not been reported in the literature in individuals with FH-associated conditions. In summary, the evidence currently available is insufficient to determine the clinical significance of this variant. It has therefore been classified as of uncertain significance.

Labcorp Genetics (formerly Invitae), Labcorp
Classification: Uncertain significance. Last evaluated: 2019-05-03. Review status: criteria provided, single submitter. Criteria: Invitae Variant Classification Sherloc (09022015). Collection method: clinical testing. Allele origin: germline.
Comment: This sequence change replaces glycine with arginine at codon 490 of the FH protein (p.Gly490Arg). The glycine residue is highly conserved and there is a moderate physicochemical difference between glycine and arginine. This variant is not present in population databases (ExAC no frequency) and has not been reported in the literature in individuals with a FH-related disease. Algorithms developed to predict the effect of missense changes on protein structure and function do not agree on the potential impact of this missense change (SIFT: "Deleterious"; PolyPhen-2: "Benign"; Align-GVGD: "Class C0"). In summary, this variant is a novel missense change with uncertain impact on protein function. It has been classified as a Variant of Uncertain Significance.

NM_000143.4(FH):c.1468G>C (p.Gly490Arg)

Gene: FH (fumarate hydratase; minus strand). Cytogenetic location: 1q43.
Variant type: single nucleotide variant.
Coding change: c.1468G>C on transcript NM_000143.4 (MANE Select); coding-DNA position 1468, G replaced by C.
Protein change: p.Gly490Arg; replaces glycine 490 with arginine.
Molecular consequence: missense variant.
Genome position (GRCh38, 1-based): chr1:241,497,893, C>G on the plus strand (G>C on the coding strand, the complement: FH is on the minus strand). VCF-style: chr1-241497893-C-G. GRCh37 (hg19) VCF-style: chr1-241661193-C-G.
Other names: short protein forms G490R.
Identifiers: ClinVar variation 460344 (VCV000460344.12), dbSNP rs1553340515, ClinGen allele CA345450517.